The following is an entry in ClinVar:

NM_138576.4(BCL11B):c.2446C>T (p.Arg816Trp)

Gene: BCL11B (BCL11 transcription factor B; minus strand). Cytogenetic location: 14q32.2.
Variant type: single nucleotide variant.
Coding change: c.2446C>T on transcript NM_138576.4 (MANE Select); coding-DNA position 2446, C replaced by T.
Protein change: p.Arg816Trp; replaces arginine 816 with tryptophan.
Molecular consequence: missense variant.
Genome position (GRCh38, 1-based): chr14:99,174,390, G>A on the plus strand (C>T on the coding strand, the complement: BCL11B is on the minus strand). VCF-style: chr14-99174390-G-A. GRCh37 (hg19) VCF-style: chr14-99640727-G-A.
Other names: c.2443C>T, p.Arg815Trp (NM_001282237.2); c.2230C>T, p.Arg744Trp (NM_001282238.2); c.2233C>T, p.Arg745Trp (NM_022898.3); short protein forms R816W, R745W, R744W, R815W.
Identifiers: ClinVar variation 2841301 (VCV002841301.3), dbSNP rs757688497, ClinGen allele CA390933204.

ClinVar aggregate classification (germline): Uncertain significance (1 of 4 stars; one submission).

Submission:

Labcorp Genetics (formerly Invitae), Labcorp
Classification: Uncertain significance. Last evaluated: 2023-02-27. Review status: criteria provided, single submitter. Criteria: Invitae Variant Classification Sherloc (09022015). Collection method: clinical testing. Allele origin: germline.
Comment: This sequence change replaces arginine, which is basic and polar, with tryptophan, which is neutral and slightly polar, at codon 816 of the BCL11B protein (p.Arg816Trp). In summary, the available evidence is currently insufficient to determine the role of this variant in disease. Therefore, it has been classified as a Variant of Uncertain Significance. Advanced modeling of protein sequence and biophysical properties (such as structural, functional, and spatial information, amino acid conservation, physicochemical variation, residue mobility, and thermodynamic stability) has been performed at Invitae for this missense variant, however the output from this modeling did not meet the statistical confidence thresholds required to predict the impact of this variant on BCL11B protein function. This variant has not been reported in the literature in individuals affected with BCL11B-related conditions. This variant is not present in population databases (gnomAD no frequency).